The following is an entry in ClinVar:

NM_003611.3(OFD1):c.1542+5G>A

Gene: OFD1 (OFD1 centriole and centriolar satellite protein; plus strand). Cytogenetic location: Xp22.2.
Variant type: single nucleotide variant.
Coding change: c.1542+5G>A on transcript NM_003611.3 (MANE Select); 5 bases into the intron after coding-DNA position 1542, G replaced by A.
Molecular consequence: intron variant.
Genome position (GRCh38, 1-based): chrX:13,757,795, G>A. VCF-style: chrX-13757795-G-A. GRCh37 (hg19) VCF-style: chrX-13775914-G-A.
Other names: c.1122+5G>A (NM_001330210.2); c.1542+5G>A (NM_001440947.1); c.1422+5G>A (NM_001330209.2, NM_001440948.1).
Identifiers: ClinVar variation 4792831 (VCV004792831.1).

ClinVar aggregate classification (germline): Uncertain significance (1 of 4 stars; one submission).

Conditions:
Joubert syndrome. Also called: Familial aplasia of the vermis; JOUBERT-BOLTSHAUSER SYNDROME; CEREBELLOPARENCHYMAL DISORDER IV. Identifiers: Orphanet 475, MedGen C5979921, MONDO:0018772.
Orofaciodigital syndrome I (OFD1). Also called: Papillon-Leage and Psaume Syndrome; OFDS I; Oral-Facial-Digital Syndrome Type I. Identifiers: Orphanet 2750, MedGen C1510460, MONDO:0010702, OMIM 311200.

Submission:

Labcorp Genetics (formerly Invitae), Labcorp
Classification: Uncertain significance for Orofaciodigital syndrome I; Joubert syndrome. Last evaluated: 2025-12-17. Review status: criteria provided, single submitter. Criteria: Invitae Variant Classification Sherloc (09022015). Collection method: clinical testing. Allele origin: germline.
Comment: This sequence change falls in intron 14 of the OFD1 gene. It does not directly change the encoded amino acid sequence of the OFD1 protein. It affects a nucleotide within the consensus splice site. This variant is not present in population databases (gnomAD no frequency). This variant has not been reported in the literature in individuals affected with OFD1-related conditions. Variants that disrupt the consensus splice site are a relatively common cause of aberrant splicing (PMID: 17576681, 9536098). Algorithms developed to predict the effect of sequence changes on RNA splicing suggest that this variant may disrupt the consensus splice site. In summary, the available evidence is currently insufficient to determine the role of this variant in disease. Therefore, it has been classified as a Variant of Uncertain Significance.

Literature cited by the submitters: PubMed 17576681; PubMed 9536098.